The following is an entry in ClinVar:

ClinVar aggregate classification (germline): Uncertain significance (1 of 4 stars; one submission).

gnomAD v4.1: 2 of 1,614,180 alleles (0.00012%); highest among the groups gnomAD compares: Non-Finnish European, 0.00017%; no homozygotes.

Submission:

Labcorp Genetics (formerly Invitae), Labcorp
Classification: Uncertain significance. Last evaluated: 2025-02-19. Review status: criteria provided, single submitter. Criteria: Invitae Variant Classification Sherloc (09022015). Collection method: clinical testing. Allele origin: germline.
Comment: This sequence change replaces phenylalanine, which is neutral and non-polar, with leucine, which is neutral and non-polar, at codon 392 of the KAT6A protein (p.Phe392Leu). This variant is not present in population databases (gnomAD no frequency). This variant has not been reported in the literature in individuals affected with KAT6A-related conditions. Invitae Evidence Modeling of protein sequence and biophysical properties (such as structural, functional, and spatial information, amino acid conservation, physicochemical variation, residue mobility, and thermodynamic stability) indicates that this missense variant is not expected to disrupt KAT6A protein function with a negative predictive value of 95%. In summary, the available evidence is currently insufficient to determine the role of this variant in disease. Therefore, it has been classified as a Variant of Uncertain Significance.

NM_006766.5(KAT6A):c.1176C>A (p.Phe392Leu)

Gene: KAT6A (lysine acetyltransferase 6A; minus strand). Cytogenetic location: 8p11.21.
Variant type: single nucleotide variant.
Coding change: c.1176C>A on transcript NM_006766.5 (MANE Select); coding-DNA position 1176, C replaced by A.
Protein change: p.Phe392Leu; replaces phenylalanine 392 with leucine.
Molecular consequence: missense variant.
Genome position (GRCh38, 1-based): chr8:41,977,195, G>T on the plus strand (C>A on the coding strand, the complement: KAT6A is on the minus strand). VCF-style: chr8-41977195-G-T. GRCh37 (hg19) VCF-style: chr8-41834713-G-T.
Other names: c.1176C>A, p.Phe392Leu (NM_001305878.2); short protein forms F392L.
Identifiers: ClinVar variation 4699557 (VCV004699557.1).